The following is an entry in ClinVar:

ClinVar aggregate classification (germline): Conflicting classifications of pathogenicity. Review status: criteria provided, conflicting classifications (1 of 4 stars). 3 submissions from 3 submitters: Likely pathogenic (2); Uncertain significance (1). Last evaluated 2024-06-04.

Conditions:
Autosomal recessive nonsyndromic hearing loss 86 (DFNB86). Also called: TBC1D24-Related Autosomal Recessive Nonsyndromic Hearing Loss (DFNB); Deafness , autosomal recessive 86. Identifiers: Orphanet 90636, MedGen C2829265, MONDO:0013826, OMIM 614617.
Autosomal dominant nonsyndromic hearing loss 65. Also called: TBC1D24-Related Autosomal Dominant Nonsyndromic Hearing Loss (DFNA); Deafness, autosomal dominant 65. Identifiers: Orphanet 90635, MedGen C3892048, MONDO:0014470, OMIM 616044.
Developmental and epileptic encephalopathy, 1 (DEE1). Also called: X-linked infantile spasms; West's syndrome; Tonic spasms with clustering, arrest of psychomotor development and hypsarrhythmia on EEG; X-Linked Infantile Spasm Syndrome; OHTAHARA SYNDROME, X-LINKED; Epileptic encephalopathy, early infantile, 1. Identifiers: MedGen C3463992, MONDO:0010632, OMIM 308350. Disease mechanism: loss of function.

Allele frequency attached by ClinVar (database versions not stated): gnomAD exomes below 0.00001; TOPMed 0.00001; gnomAD 0.00003.
gnomAD v4.1: 10 of 1,611,574 alleles (0.00062%); highest among the groups gnomAD compares: East Asian, 0.0022%; no homozygotes.

Submissions (3):

Labcorp Genetics (formerly Invitae), Labcorp
Classification: Uncertain significance for Developmental and epileptic encephalopathy, 1; Autosomal dominant nonsyndromic hearing loss 65. Last evaluated: 2024-06-04. Review status: criteria provided, single submitter. Criteria: Invitae Variant Classification Sherloc (09022015). Collection method: clinical testing. Allele origin: germline.
Comment: This sequence change replaces serine, which is neutral and polar, with leucine, which is neutral and non-polar, at codon 342 of the TBC1D24 protein (p.Ser342Leu). This variant is not present in population databases (gnomAD no frequency). This variant has not been reported in the literature in individuals affected with TBC1D24-related conditions. ClinVar contains an entry for this variant (Variation ID: 801402). Advanced modeling of protein sequence and biophysical properties (such as structural, functional, and spatial information, amino acid conservation, physicochemical variation, residue mobility, and thermodynamic stability) performed at Invitae indicates that this missense variant is expected to disrupt TBC1D24 protein function with a positive predictive value of 80%. In summary, the available evidence is currently insufficient to determine the role of this variant in disease. Therefore, it has been classified as a Variant of Uncertain Significance.

Mendelics
Classification: Likely pathogenic. Last evaluated: 2019-05-28. Review status: criteria provided, single submitter. Criteria: Mendelics Assertion Criteria 2017. Collection method: clinical testing. Allele origin: unknown.

Clinical Genetics Service, Universitary Hospital 12 de Octubre
Classification: Likely pathogenic for Autosomal recessive nonsyndromic hearing loss 86. Review status: criteria provided, single submitter. Criteria: ACMG Guidelines, 2015. Collection method: clinical testing. Allele origin: paternal. Affected: yes.

NM_001199107.2(TBC1D24):c.1025C>T (p.Ser342Leu)

Genes: CCNF (cyclin F; plus strand), TBC1D24 (TBC1 domain family member 24; plus strand). Cytogenetic location: 16p13.3.
Variant type: single nucleotide variant.
Coding change: c.1025C>T on transcript NM_001199107.2 (MANE Select); coding-DNA position 1025, C replaced by T.
Protein change: p.Ser342Leu; replaces serine 342 with leucine.
Molecular consequence: missense variant.
Genome position (GRCh38, 1-based): chr16:2,498,279, C>T. VCF-style: chr16-2498279-C-T. GRCh37 (hg19) VCF-style: chr16-2548280-C-T.
Other names: c.1007C>T, p.Ser336Leu (NM_020705.3); c.1025C>T (NM_001199107.1); short protein forms S336L, S342L.
Identifiers: ClinVar variation 801402 (VCV000801402.5), dbSNP rs1159971280, ClinGen allele CA394378565.